The following is an entry in ClinVar:

ClinVar aggregate classification (germline): Uncertain significance (1 of 4 stars; one submission).

Conditions:
Familial adenomatous polyposis 1 (FAP1). Also called: FAMILIAL ADENOMATOUS POLYPOSIS 1, ATTENUATED; POLYPOSIS, ADENOMATOUS INTESTINAL. Identifiers: MedGen C2713442, MONDO:0021056, OMIM 175100. Disease mechanism: loss of function.

Submission:

Labcorp Genetics (formerly Invitae), Labcorp
Classification: Uncertain significance for Familial adenomatous polyposis 1. Last evaluated: 2023-02-03. Review status: criteria provided, single submitter. Criteria: Invitae Variant Classification Sherloc (09022015). Collection method: clinical testing. Allele origin: germline.
Comment: In summary, the available evidence is currently insufficient to determine the role of this variant in disease. Therefore, it has been classified as a Variant of Uncertain Significance. Advanced modeling of protein sequence and biophysical properties (such as structural, functional, and spatial information, amino acid conservation, physicochemical variation, residue mobility, and thermodynamic stability) performed at Invitae indicates that this missense variant is not expected to disrupt APC protein function. This variant has not been reported in the literature in individuals affected with APC-related conditions. This variant is not present in population databases (gnomAD no frequency). This sequence change replaces histidine, which is basic and polar, with aspartic acid, which is acidic and polar, at codon 1086 of the APC protein (p.His1086Asp).

NM_000038.6(APC):c.3256C>G (p.His1086Asp)

Gene: APC (APC regulator of Wnt signaling pathway; plus strand). Cytogenetic location: 5q22.2.
Variant type: single nucleotide variant.
Coding change: c.3256C>G on transcript NM_000038.6 (MANE Select); coding-DNA position 3256, C replaced by G.
Protein change: p.His1086Asp; replaces histidine 1086 with aspartic acid.
Molecular consequence: missense variant. On other transcripts: non-coding transcript variant (2).
Genome position (GRCh38, 1-based): chr5:112,838,850, C>G. VCF-style: chr5-112838850-C-G. GRCh37 (hg19) VCF-style: chr5-112174547-C-G.
Other names: c.3007C>G, p.His1003Asp (NM_001407456.1, NM_001407457.1, NM_001407454.1 and 1 more transcripts); c.2953C>G, p.His985Asp (NM_001407458.1, NM_001407459.1, NM_001407460.1 and 1 more transcripts); c.2869C>G, p.His957Asp (NM_001407467.1, NM_001407469.1); c.2407C>G, p.His803Asp (NM_001407470.1, NM_001354906.2); c.2104C>G, p.His702Asp (NM_001407471.1, NM_001407472.1); c.3256C>G, p.His1086Asp (NM_001127510.3, NM_001354895.2, NM_001407450.1); c.3202C>G, p.His1068Asp (NM_001127511.3); c.3310C>G, p.His1104Asp (NM_001354896.2, NM_001407447.1, NM_001407448.1 and 1 more transcripts); and 11 more; short protein forms H1058D, H1061D, H1076D, H1086D, H957D, H1104D, H803D, H1068D.
Identifiers: ClinVar variation 2834039 (VCV002834039.3), dbSNP rs2149888077, ClinGen allele CA16028477.